The following is an entry in ClinVar:

NM_000245.4(MET):c.2451C>A (p.Thr817=)

Gene: MET (MET proto-oncogene, receptor tyrosine kinase; plus strand). Cytogenetic location: 7q31.2.
Variant type: single nucleotide variant.
Coding change: c.2451C>A on transcript NM_000245.4 (MANE Select); coding-DNA position 2451, C replaced by A.
Protein change: p.Thr817=; no amino-acid change (threonine 817 retained).
Molecular consequence: synonymous variant.
Genome position (GRCh38, 1-based): chr7:116,763,136, C>A. VCF-style: chr7-116763136-C-A. GRCh37 (hg19) VCF-style: chr7-116403190-C-A.
Other names: c.2505C>A, p.Thr835= (NM_001127500.3); c.2451C>A, p.Thr817= (NM_001324401.3); c.1161C>A, p.Thr387= (NM_001324402.2); c.2505C>A (NM_001127500.1).
Identifiers: ClinVar variation 1574567 (VCV001574567.10), dbSNP rs2116955318, ClinGen allele CA457441138.

ClinVar aggregate classification (germline): Benign/Likely benign. Review status: criteria provided, multiple submitters, no conflicts (2 of 4 stars). 3 submissions from 3 submitters: Benign (1); Likely benign (2). Last evaluated 2024-11-11.

Conditions:
Renal cell carcinoma. Identifiers: Orphanet 217071, MedGen C0007134, MeSH D002292, MONDO:0005086, HP:0005584.
Hereditary cancer-predisposing syndrome. Also called: Hereditary Cancer Syndrome; Tumor predisposition; Neoplastic Syndromes, Hereditary; Hereditary neoplastic syndrome. Identifiers: Orphanet 140162, MedGen C0027672, MeSH D009386, MONDO:0015356.
Papillary renal cell carcinoma type 1 (RCCP1). Also called: RENAL CELL CARCINOMA, PAPILLARY, 1, SOMATIC; Renal adenocarcinoma; Renal cell carcinoma 1; Renal cell carcinoma, somatic. Identifiers: Orphanet 47044, MedGen C1336839, OMIM 605074, HP:0011797.

Submissions (3):

Myriad Genetics, Inc.
Classification: Benign for Papillary renal cell carcinoma type 1. Last evaluated: 2024-11-11. Review status: criteria provided, single submitter. Criteria: Myriad Autosomal Dominant, Autosomal Recessive and X-Linked Classification Criteria (2023). Collection method: clinical testing. Allele origin: unknown.
Comment: This variant is considered benign. This variant is a silent/synonymous amino acid change and it is not expected to impact splicing.

Ambry Genetics
Classification: Likely benign for Hereditary cancer-predisposing syndrome. Last evaluated: 2023-08-11. Review status: criteria provided, single submitter. Criteria: Ambry Variant Classification Scheme 2023. Collection method: clinical testing. Allele origin: germline.

Labcorp Genetics (formerly Invitae), Labcorp
Classification: Likely benign for Renal cell carcinoma. Last evaluated: 2021-10-02. Review status: criteria provided, single submitter. Criteria: Invitae Variant Classification Sherloc (09022015). Collection method: clinical testing. Allele origin: germline.